The following is an entry in ClinVar:

ClinVar aggregate classification (germline): Uncertain significance (1 of 4 stars; one submission).

Submission:

Labcorp Genetics (formerly Invitae), Labcorp
Classification: Uncertain significance. Last evaluated: 2022-06-05. Review status: criteria provided, single submitter. Criteria: Invitae Variant Classification Sherloc (09022015). Collection method: clinical testing. Allele origin: germline.
Comment: This variant is not present in population databases (gnomAD no frequency). In summary, the available evidence is currently insufficient to determine the role of this variant in disease. Therefore, it has been classified as a Variant of Uncertain Significance. This variant disrupts a region of the NDUFS2 protein in which other variant(s) (p.Met443Lys) have been observed in individuals with NDUFS2-related conditions (PMID: 20819849). This suggests that this is a clinically significant region of the protein, and that variants that disrupt it are likely to be disease-causing. ClinVar contains an entry for this variant (Variation ID: 1487385). This variant has not been reported in the literature in individuals affected with NDUFS2-related conditions. This sequence change creates a premature translational stop signal (p.Arg418Profs*22) in the NDUFS2 gene. While this is not anticipated to result in nonsense mediated decay, it is expected to disrupt the last 46 amino acid(s) of the NDUFS2 protein.

Literature cited by the submitters: PubMed 20819849.

NM_001377299.1(NDUFS2):c.1253_1254del (p.Arg418fs)

Gene: NDUFS2 (NADH:ubiquinone oxidoreductase core subunit S2; plus strand). Cytogenetic location: 1q23.3.
Variant type: Deletion.
Coding change: c.1253_1254del on transcript NM_001377299.1 (MANE Select); coding-DNA positions 1253 to 1254, 2 bases deleted (GC; older notation c.1253_1254delGC).
Protein change: p.Arg418fs; shifts the reading frame from arginine 418.
Molecular consequence: frameshift variant. On other transcripts: non-coding transcript variant (1).
Genome position (GRCh38, 1-based): chr1:161,213,689-161,213,690, GC deleted; deleting any 2 consecutive bases within chr1:161,213,688-161,213,690 gives the same sequence; the c. name uses the placement nearest the transcript's 3' end. VCF-style (leftmost placement, unchanged base first): chr1-161213687-CCG-C. GRCh37 (hg19) VCF-style: chr1-161183477-CCG-C.
Other names: c.1253_1254del, p.Arg418fs (NM_001166159.2, NM_001377298.1, NM_001377300.1 and 3 more transcripts); short protein forms R418fs.
Identifiers: ClinVar variation 1487385 (VCV001487385.6), dbSNP rs2102057780, ClinGen allele CA2573131263.